The following is an entry in ClinVar:

NM_020533.3(MCOLN1):c.1017_1020del (p.Arg340fs)

Gene: MCOLN1 (mucolipin TRP cation channel 1; plus strand). Cytogenetic location: 19p13.2.
Variant type: Deletion.
Coding change: c.1017_1020del on transcript NM_020533.3 (MANE Select); coding-DNA positions 1017 to 1020, 4 bases deleted (ACGG; older notation c.1017_1020delACGG).
Protein change: p.Arg340fs; shifts the reading frame from arginine 340.
Molecular consequence: frameshift variant.
Genome position (GRCh38, 1-based): chr19:7,528,853-7,528,856, ACGG deleted; deleting any 4 consecutive bases within chr19:7,528,851-7,528,856 gives the same sequence; the c. name uses the placement nearest the transcript's 3' end. VCF-style (leftmost placement, unchanged base first): chr19-7528850-GGGAC-G. GRCh37 (hg19) VCF-style: chr19-7593736-GGGAC-G.
Other names: c.1017_1020delACGG (NM_020533.2); short protein forms R340fs.
Identifiers: ClinVar variation 503973 (VCV000503973.4), dbSNP rs1555742120, ClinGen allele CA658799111.

ClinVar aggregate classification (germline): Pathogenic (1 of 4 stars; one submission).

Submission:

GeneDx
Classification: Pathogenic. Last evaluated: 2019-11-19. Review status: criteria provided, single submitter. Criteria: GeneDx Variant Classification Process June 2021. Collection method: clinical testing. Allele origin: germline. Affected: yes.
Comment: Frameshift variant predicted to result in protein truncation or nonsense mediated decay in a gene for which loss-of-function is a known mechanism of disease; Not observed in large population cohorts (Lek et al., 2016); Has not been previously published as pathogenic or benign to our knowledge